The following is an entry in ClinVar:

NM_022041.4(GAN):c.403A>G (p.Ile135Val)

Gene: GAN (gigaxonin; plus strand). Cytogenetic location: 16q23.2.
Variant type: single nucleotide variant.
Coding change: c.403A>G on transcript NM_022041.4 (MANE Select); coding-DNA position 403, A replaced by G.
Protein change: p.Ile135Val; replaces isoleucine 135 with valine.
Molecular consequence: missense variant. On other transcripts: 5 prime UTR variant (1).
Genome position (GRCh38, 1-based): chr16:81,354,525, A>G. VCF-style: chr16-81354525-A-G. GRCh37 (hg19) VCF-style: chr16-81388130-A-G.
Other names: c.-237A>G (NM_001377486.1); short protein forms I135V.
Identifiers: ClinVar variation 533922 (VCV000533922.7), dbSNP rs748121633, ClinGen allele CA8191363.

ClinVar aggregate classification (germline): Uncertain significance (1 of 4 stars; one submission).

Conditions:
Giant axonal neuropathy 1 (GAN1). Also called: GIANT AXONAL NEUROPATHY 1, AUTOSOMAL RECESSIVE; GAN-Related Neurodegeneration. Identifiers: Orphanet 643, MedGen C1850386, MONDO:0009749, OMIM 256850.

Allele frequency attached by ClinVar (database versions not stated): gnomAD exomes below 0.00001 and 0.00001; ExAC 0.00002.
gnomAD v4.1: 2 of 1,614,018 alleles (0.00012%); highest among the groups gnomAD compares: Non-Finnish European, 0.00017%; no homozygotes.

Submission:

Labcorp Genetics (formerly Invitae), Labcorp
Classification: Uncertain significance for Giant axonal neuropathy 1. Last evaluated: 2022-09-06. Review status: criteria provided, single submitter. Criteria: Invitae Variant Classification Sherloc (09022015). Collection method: clinical testing. Allele origin: germline.
Comment: In summary, the available evidence is currently insufficient to determine the role of this variant in disease. Therefore, it has been classified as a Variant of Uncertain Significance. Algorithms developed to predict the effect of missense changes on protein structure and function are either unavailable or do not agree on the potential impact of this missense change (SIFT: "Tolerated"; PolyPhen-2: "Possibly Damaging"; Align-GVGD: "Class C0"). ClinVar contains an entry for this variant (Variation ID: 533922). This variant has not been reported in the literature in individuals affected with GAN-related conditions. This variant is present in population databases (rs748121633, gnomAD 0.002%). This sequence change replaces isoleucine, which is neutral and non-polar, with valine, which is neutral and non-polar, at codon 135 of the GAN protein (p.Ile135Val).